The following is an entry in ClinVar:

ClinVar aggregate classification (germline): Uncertain significance (1 of 4 stars; one submission).

Conditions:
SETX-related disorder. Also called: SETX-related condition; SETX-related disorders. Identifiers: MedGen CN239403.

gnomAD v4.1: 7 of 1,613,344 alleles (0.00043%); highest among the groups gnomAD compares: African/African-American, 0.0093%; no homozygotes.

Submission:

PreventionGenetics, part of Exact Sciences
Classification: Uncertain significance for SETX-related condition. Last evaluated: 2025-12-04. Review status: criteria provided, single submitter. Criteria: ACMG Guidelines, 2015. Collection method: clinical testing. Allele origin: germline.
Comment: The SETX c.216C>G variant is predicted to result in the amino acid substitution p.His72Gln. To our knowledge, this variant has not been reported in the literature. This variant is reported in 0.012% of alleles in individuals of African descent in gnomAD. At this time, the clinical significance of this variant is uncertain due to the absence of conclusive functional and genetic evidence.

NM_015046.7(SETX):c.216C>G (p.His72Gln)

Gene: SETX (senataxin; minus strand). Cytogenetic location: 9q34.13.
Variant type: single nucleotide variant.
Coding change: c.216C>G on transcript NM_015046.7 (MANE Select); coding-DNA position 216, C replaced by G.
Protein change: p.His72Gln; replaces histidine 72 with glutamine.
Molecular consequence: missense variant.
Genome position (GRCh38, 1-based): chr9:132,346,433, G>C on the plus strand (C>G on the coding strand, the complement: SETX is on the minus strand). VCF-style: chr9-132346433-G-C. GRCh37 (hg19) VCF-style: chr9-135221820-G-C.
Other names: c.216C>G, p.His72Gln (NM_001351527.2, NM_001351528.2); short protein forms H72Q.
Identifiers: ClinVar variation 4986187 (VCV004986187.1).
Genomic context (GRCh38, chr9:132,346,433, plus strand): 5'-ATTGTCTACTATATATAACTCATCATCATCTCCAATTTCTGCCTTCATGGATTTTTCAAA[G>C]TGATTTATGAGACGTAAGGTTTCTAATTCCCATAAAACCTAGAGGAAAATAAAATGGGCA-3'
Protein context (NP_055861.3, residues 62-82): WELETLRLIN[His72Gln]FEKSMKAEIG